The following is an entry in ClinVar:

ClinVar aggregate classification (germline): Uncertain significance (1 of 4 stars; one submission).

Conditions:
DISP3-related disorder. Also called: DISP3-related condition.

Submission:

PreventionGenetics, part of Exact Sciences
Classification: Uncertain significance for DISP3-related condition. Last evaluated: 2024-11-27. Review status: criteria provided, single submitter. Criteria: ACMG Guidelines, 2015. Collection method: clinical testing. Allele origin: germline.
Comment: The DISP3 c.581delA variant is predicted to result in a frameshift and premature protein termination (p.Lys194Serfs*33). To our knowledge, this variant has not been reported in the literature or in a large population database (gnomAD), indicating this variant is rare. At this time, the clinical significance of this variant is uncertain due to the absence of conclusive functional and genetic evidence.

NM_020780.2(DISP3):c.581del (p.Lys194fs)

Gene: DISP3 (dispatched RND transporter family member 3; plus strand). Cytogenetic location: 1p36.22.
Variant type: Deletion.
Coding change: c.581del on transcript NM_020780.2 (MANE Select); coding-DNA position 581, one base deleted (A; older notation c.581delA).
Protein change: p.Lys194fs; shifts the reading frame from lysine 194.
Molecular consequence: frameshift variant.
Genome position (GRCh38, 1-based): chr1:11,501,573, A deleted; the last of 4 consecutive A bases (chr1:11,501,570-11,501,573); deleting any one gives the same sequence. VCF-style (leftmost placement, unchanged base first): chr1-11501569-CA-C. GRCh37 (hg19) VCF-style: chr1-11561626-CA-C.
Other names: short protein forms K194fs.
Identifiers: ClinVar variation 4997226 (VCV004997226.1).